The following is an entry in ClinVar:

ClinVar aggregate classification (germline): Uncertain significance (1 of 4 stars; one submission).

Conditions:
Werner syndrome (WRN). Identifiers: Orphanet 902, MedGen C0043119, MONDO:0010196, OMIM 277700.

Allele frequency attached by ClinVar (database versions not stated): gnomAD exomes below 0.00001.

Submission:

Labcorp Genetics (formerly Invitae), Labcorp
Classification: Uncertain significance for Werner syndrome. Last evaluated: 2024-10-24. Review status: criteria provided, single submitter. Criteria: Invitae Variant Classification Sherloc (09022015). Collection method: clinical testing. Allele origin: germline.
Comment: This sequence change replaces histidine, which is basic and polar, with tyrosine, which is neutral and polar, at codon 807 of the WRN protein (p.His807Tyr). This variant is present in population databases (no rsID available, gnomAD 0.01%). This variant has not been reported in the literature in individuals affected with WRN-related conditions. ClinVar contains an entry for this variant (Variation ID: 646062). An algorithm developed to predict the effect of missense changes on protein structure and function (PolyPhen-2) suggests that this variant is likely to be disruptive. In summary, the available evidence is currently insufficient to determine the role of this variant in disease. Therefore, it has been classified as a Variant of Uncertain Significance.

NM_000553.6(WRN):c.2419C>T (p.His807Tyr)

Gene: WRN (WRN RecQ like helicase; plus strand). Cytogenetic location: 8p12.
Variant type: single nucleotide variant.
Coding change: c.2419C>T on transcript NM_000553.6 (MANE Select); coding-DNA position 2419, C replaced by T.
Protein change: p.His807Tyr; replaces histidine 807 with tyrosine.
Molecular consequence: missense variant.
Genome position (GRCh38, 1-based): chr8:31,116,499, C>T. VCF-style: chr8-31116499-C-T. GRCh37 (hg19) VCF-style: chr8-30974015-C-T.
Other names: short protein forms H807Y.
Identifiers: ClinVar variation 646062 (VCV000646062.5), dbSNP rs1440588476, ClinGen allele CA370913988.
Genomic context (GRCh38, chr8:31,116,499, plus strand): 5'-CTGAATCTATCCTGTGGAACATACCATGCGGGCATGAGTTTTAGCACAAGGAAAGACATT[C>T]ATCATAGGTTTGTAAGAGATGAAATTCAGGTATGAGGATCAATCATCATTGCTCTCCGTT-3'
Protein context (NP_000544.2, residues 797-817): GMSFSTRKDI[His807Tyr]HRFVRDEIQC